The following is an entry in ClinVar:

NM_198576.4(AGRN):c.3569G>C (p.Arg1190Pro)

Gene: AGRN (agrin; plus strand). Cytogenetic location: 1p36.33.
Variant type: single nucleotide variant.
Coding change: c.3569G>C on transcript NM_198576.4 (MANE Select); coding-DNA position 3569, G replaced by C.
Protein change: p.Arg1190Pro; replaces arginine 1190 with proline.
Molecular consequence: missense variant.
Genome position (GRCh38, 1-based): chr1:1,047,625, G>C. VCF-style: chr1-1047625-G-C. GRCh37 (hg19) VCF-style: chr1-983005-G-C.
Other names: c.3569G>C, p.Arg1190Pro (NM_001305275.2); c.3254G>C, p.Arg1085Pro (NM_001364727.2); short protein forms R1085P, R1190P.
Identifiers: ClinVar variation 1035437 (VCV001035437.10), dbSNP rs149762107, ClinGen allele CA337850732.
Genomic context (GRCh38, chr1:1,047,625, plus strand): 5'-TGCCACAGCTGGACGACCTCTTCCGGAATTCAGACGTCAAGAAGGATTTTCGGAGTGTCC[G>C]CTTGCGGGACCTGGGGCCCGGCAAATCCGTCCGCGCCATTGTGGATGTGCACTTTGACCC-3'
Protein context (NP_940978.2, residues 1180-1200): SDVKKDFRSV[Arg1190Pro]LRDLGPGKSV

ClinVar aggregate classification (germline): Uncertain significance. Review status: criteria provided, multiple submitters, no conflicts (2 of 4 stars). 2 submissions from 2 submitters: Uncertain significance (2). Last evaluated 2023-04-27.

Conditions:
Congenital myasthenic syndrome 8. Also called: Myasthenic syndrome, congenital, 8, with pre- and postsynaptic defects; MYASTHENIC SYNDROME, CONGENITAL, DUE TO AGRIN DEFICIENCY. Identifiers: Orphanet 590, MedGen C3808739, MONDO:0014052, OMIM 615120.

Allele frequency attached by ClinVar (database versions not stated): TOPMed 0.00001.
gnomAD v4.1: 2 of 1,612,948 alleles (0.00012%); highest among the groups gnomAD compares: Admixed American, 0.0017%; no homozygotes.

Submissions (2):

Revvity Omics, Revvity
Classification: Uncertain significance for Congenital myasthenic syndrome 8. Last evaluated: 2023-04-27. Review status: criteria provided, single submitter. Criteria: ACMG Guidelines, 2015. Collection method: clinical testing. Allele origin: germline.

Labcorp Genetics (formerly Invitae), Labcorp
Classification: Uncertain significance for Congenital myasthenic syndrome 8. Last evaluated: 2020-03-26. Review status: criteria provided, single submitter. Criteria: Invitae Variant Classification Sherloc (09022015). Collection method: clinical testing. Allele origin: germline.
Comment: This variant has not been reported in the literature in individuals with AGRN-related conditions. This sequence change replaces arginine with proline at codon 1190 of the AGRN protein (p.Arg1190Pro). The arginine residue is highly conserved and there is a moderate physicochemical difference between arginine and proline. This variant is not present in population databases (ExAC no frequency). Algorithms developed to predict the effect of missense changes on protein structure and function are either unavailable or do not agree on the potential impact of this missense change (SIFT: "Deleterious"; PolyPhen-2: "Probably Damaging"; Align-GVGD: "Class C0"). In summary, the available evidence is currently insufficient to determine the role of this variant in disease. Therefore, it has been classified as a Variant of Uncertain Significance.